The following is an entry in ClinVar:

NM_000152.5(GAA):c.2130C>A (p.Tyr710Ter)

Gene: GAA (alpha glucosidase; plus strand). Cytogenetic location: 17q25.3.
Variant type: single nucleotide variant.
Coding change: c.2130C>A on transcript NM_000152.5 (MANE Select); coding-DNA position 2130, C replaced by A.
Protein change: p.Tyr710Ter; replaces tyrosine 710 with a stop codon.
Molecular consequence: nonsense.
Genome position (GRCh38, 1-based): chr17:80,113,307, C>A. VCF-style: chr17-80113307-C-A. GRCh37 (hg19) VCF-style: chr17-78087106-C-A.
Other names: c.2130C>A, p.Tyr710Ter (NM_001079803.3, NM_001079804.3); short protein forms Y710*.
Identifiers: ClinVar variation 983722 (VCV000983722.3), dbSNP rs2039289942, ClinGen allele CA401370551.

ClinVar aggregate classification (germline): Likely pathogenic (1 of 4 stars; one submission).

Conditions:
Glycogen storage disease, type II (IOPD). Also called: CARDIOMEGALIA GLYCOGENICA DIFFUSA; GLYCOGENOSIS, GENERALIZED, CARDIAC FORM; GSD II; POMPE DISEASE, INFANTILE-ONSET; GLYCOGEN STORAGE DISEASE II, INFANTILE-ONSET; ACID ALPHA-GLUCOSIDASE DEFICIENCY, INFANTILE-ONSET. Identifiers: Orphanet 365, MedGen C0017921, MONDO:0009290, OMIM 232300.

Submission:

Myriad Genetics, Inc.
Classification: Likely pathogenic for Glycogen storage disease, type II. Last evaluated: 2019-03-30. Review status: criteria provided, single submitter. Criteria: Myriad Women's Health Autosomal Recessive and X-Linked Classification Criteria (2019). Collection method: clinical testing. Allele origin: unknown.
Comment: NM_000152.3(GAA):c.2130C>A(Y710*) is expected to be pathogenic in the context of Pompe disease. This variant is predicted to lead to an abnormal or absent protein product due to the creation of a premature termination codon in GAA, a gene where loss-of-function variants are known to be pathogenic. Please note: this variant was assessed in the context of healthy population screening.